The following is an entry in ClinVar:

ClinVar aggregate classification (germline): Uncertain significance. Review status: criteria provided, multiple submitters, no conflicts (2 of 4 stars). 2 submissions from 2 submitters: Uncertain significance (2). Last evaluated 2026-04-16.

Conditions:
Inborn genetic diseases. Identifiers: MedGen C0950123, MeSH D030342.
Wilms tumor 1 (WT1). Also called: Wilms tumor, somatic. Identifiers: Orphanet 654, MedGen CN033288, MONDO:0008679, OMIM 194070.
11p partial monosomy syndrome (WAGR). Also called: WAGR syndrome; WAGR Complex; CHROMOSOME 11p13 DELETION SYNDROME; WAGR Spectrum Disorder. Identifiers: Orphanet 893, MedGen C0206115, MONDO:0008681, OMIM 194072.
Frasier syndrome. Identifiers: Orphanet 347, MedGen C0950122, MeSH D052159, MONDO:0007635, OMIM 136680.
Drash syndrome (DDS). Also called: WILMS TUMOR AND PSEUDO- OR TRUE HERMAPHRODITISM; NEPHROPATHY, WILMS TUMOR, AND GENITAL ANOMALIES. Identifiers: Orphanet 220, MedGen C0950121, MONDO:0008682, OMIM 194080.

Submissions (2):

Ambry Genetics
Classification: Uncertain significance for Inborn genetic diseases. Last evaluated: 2026-04-16. Review status: criteria provided, single submitter. Criteria: Ambry Variant Classification Scheme 2023. Collection method: clinical testing. Allele origin: germline.
Comment: The p.Q490H variant (also known as c.1470G>T), located in coding exon 10 of the WT1 gene, results from a G to T substitution at nucleotide position 1470. The glutamine at codon 490 is replaced by histidine, an amino acid with highly similar properties. This amino acid position is highly conserved in available vertebrate species. In addition, the in silico prediction for this alteration is inconclusive. Based on the available evidence, the clinical significance of this variant remains unclear.

Labcorp Genetics (formerly Invitae), Labcorp
Classification: Uncertain significance for Wilms tumor 1; Drash syndrome; 11p partial monosomy syndrome; Frasier syndrome. Last evaluated: 2022-01-27. Review status: criteria provided, single submitter. Criteria: Invitae Variant Classification Sherloc (09022015). Collection method: clinical testing. Allele origin: germline.
Comment: This sequence change replaces glutamine, which is neutral and polar, with histidine, which is basic and polar, at codon 490 of the WT1 protein (p.Gln490His). This variant is not present in population databases (gnomAD no frequency). In summary, the available evidence is currently insufficient to determine the role of this variant in disease. Therefore, it has been classified as a Variant of Uncertain Significance. Algorithms developed to predict the effect of missense changes on protein structure and function are either unavailable or do not agree on the potential impact of this missense change (SIFT: "Deleterious"; PolyPhen-2: "Probably Damaging"; Align-GVGD: "Class C15"). This variant has not been reported in the literature in individuals affected with WT1-related conditions.

NM_024426.6(WT1):c.1485G>T (p.Gln495His)

Gene: WT1 (WT1 transcription factor; minus strand). Cytogenetic location: 11p13.
Variant type: single nucleotide variant.
Coding change: c.1485G>T on transcript NM_024426.6 (MANE Select); coding-DNA position 1485, G replaced by T.
Protein change: p.Gln495His; replaces glutamine 495 with histidine.
Molecular consequence: missense variant. On other transcripts: non-coding transcript variant (1).
Genome position (GRCh38, 1-based): chr11:32,389,142, C>A on the plus strand (G>T on the coding strand, the complement: WT1 is on the minus strand). VCF-style: chr11-32389142-C-A. GRCh37 (hg19) VCF-style: chr11-32410688-C-A.
Other names: c.1470G>T (NM_024426.4); c.1425G>T, p.Gln475His (NM_000378.6); c.825G>T, p.Gln275His (NM_001198551.2); c.783G>T, p.Gln261His (NM_001198552.2); c.297G>T, p.Gln99His (NM_001367854.1); c.1470G>T, p.Gln490His (NM_001407044.1); c.1434G>T, p.Gln478His (NM_001407045.1); c.1392G>T, p.Gln464His (NM_001407046.1); and 7 more; short protein forms Q261H, Q275H, Q437H, Q464H, Q473H, Q475H, Q490H, Q495H.
Identifiers: ClinVar variation 2090573 (VCV002090573.5), dbSNP rs2132899226, ClinGen allele CA379957707.